The following is an entry in ClinVar:

ClinVar aggregate classification (germline): Uncertain significance (1 of 4 stars; one submission).

Submission:

GeneDx
Classification: Uncertain significance. Last evaluated: 2022-04-13. Review status: criteria provided, single submitter. Criteria: GeneDx Variant Classification Process June 2021. Collection method: clinical testing. Allele origin: germline. Affected: yes.
Comment: Not observed at significant frequency in large population cohorts (gnomAD); In silico analysis supports that this missense variant has a deleterious effect on protein structure/function; Has not been previously published as pathogenic or benign to our knowledge

NM_006208.3(ENPP1):c.2317T>C (p.Trp773Arg)

Gene: ENPP1 (ectonucleotide pyrophosphatase/phosphodiesterase 1; plus strand). Cytogenetic location: 6q23.2.
Variant type: single nucleotide variant.
Coding change: c.2317T>C on transcript NM_006208.3 (MANE Select); coding-DNA position 2317, T replaced by C.
Protein change: p.Trp773Arg; replaces tryptophan 773 with arginine.
Molecular consequence: missense variant.
Genome position (GRCh38, 1-based): chr6:131,884,936, T>C. VCF-style: chr6-131884936-T-C. GRCh37 (hg19) VCF-style: chr6-132206076-T-C.
Other names: short protein forms W773R.
Identifiers: ClinVar variation 1710783 (VCV001710783.2), dbSNP rs2483532781, ClinGen allele CA365655830.